The following is an entry in ClinVar:

NM_001853.4(COL9A3):c.1976del (p.Pro659fs)

Gene: COL9A3 (collagen type IX alpha 3 chain; plus strand). Cytogenetic location: 20q13.33.
Variant type: Deletion.
Coding change: c.1976del on transcript NM_001853.4 (MANE Select); coding-DNA position 1976, one base deleted (C; older notation c.1976delC).
Protein change: p.Pro659fs; shifts the reading frame from proline 659.
Molecular consequence: frameshift variant.
Genome position (GRCh38, 1-based): chr20:62,840,653, C deleted; the last of 2 consecutive C bases (chr20:62,840,652-62,840,653); deleting either gives the same sequence. VCF-style (leftmost placement, unchanged base first): chr20-62840651-AC-A. GRCh37 (hg19) VCF-style: chr20-61472003-AC-A.
Other names: short protein forms P659fs.
Identifiers: ClinVar variation 3627631 (VCV003627631.2).
Genomic context (GRCh38, chr20:62,840,651, plus strand): 5'-CGGCGAGCCTGGGCCTCCCGGAGATCCTGGGCTTCCAGGTGCCATTGGGGCCCAGGGGAC[AC>A]CGGGGATCTGCGACACCTCAGCCTGCCAAGGAGCCGTGTTAGGAGGGGTCGGGGAGAAAT-3'

ClinVar aggregate classification (germline): Uncertain significance. Review status: criteria provided, multiple submitters, no conflicts (2 of 4 stars). 2 submissions from 2 submitters: Uncertain significance (2). Last evaluated 2024-04-10.

Submissions (2):

Labcorp Genetics (formerly Invitae), Labcorp
Classification: Uncertain significance. Last evaluated: 2024-04-10. Review status: criteria provided, single submitter. Criteria: Invitae Variant Classification Sherloc (09022015). Collection method: clinical testing. Allele origin: germline.
Comment: This sequence change creates a premature translational stop signal (p.Pro659Argfs*14) in the COL9A3 gene. While this is not anticipated to result in nonsense mediated decay, it is expected to disrupt the last 26 amino acid(s) of the COL9A3 protein. The frequency data for this variant in the population databases is considered unreliable, as metrics indicate poor data quality at this position in the gnomAD database. This variant has not been reported in the literature in individuals affected with COL9A3-related conditions. Experimental studies and prediction algorithms are not available or were not evaluated, and the functional significance of this variant is currently unknown. In summary, the available evidence is currently insufficient to determine the role of this variant in disease. Therefore, it has been classified as a Variant of Uncertain Significance.

Blueprint Genetics
Classification: Uncertain significance. Last evaluated: 2023-03-30. Review status: criteria provided, single submitter. Criteria: ACMG Guidelines, 2015. Collection method: clinical testing. Allele origin: germline.